The following is an entry in ClinVar:

NM_001039591.3(USP9X):c.77C>T (p.Pro26Leu)

Gene: USP9X (ubiquitin specific peptidase 9 X-linked; plus strand). Cytogenetic location: Xp11.4.
Variant type: single nucleotide variant.
Coding change: c.77C>T on transcript NM_001039591.3 (MANE Select); coding-DNA position 77, C replaced by T.
Protein change: p.Pro26Leu; replaces proline 26 with leucine.
Molecular consequence: missense variant.
Genome position (GRCh38, 1-based): chrX:41,123,705, C>T. VCF-style: chrX-41123705-C-T. GRCh37 (hg19) VCF-style: chrX-40982958-C-T.
Other names: c.77C>T, p.Pro26Leu (NM_001039590.3, NM_001410748.1, NM_001410749.1); short protein forms P26L.
Identifiers: ClinVar variation 1938884 (VCV001938884.5), dbSNP rs767741303, ClinGen allele CA10388254.
Genomic context (GRCh38, chrX:41,123,705, plus strand): 5'-GTGGCTCTCCGGTCGGAGGGAATGACAACCAGGGCCAGGCTCCTGATGGACAGTCTCAGC[C>T]CCCCCTCCAACAGAATCAGGTAGGATGTTGAAGATACTAGTTAAAGCTACAGTGGGGCTG-3'
Protein context (NP_001034680.2, residues 16-36): QGQAPDGQSQ[Pro26Leu]PLQQNQTSSP

ClinVar aggregate classification (germline): Uncertain significance (1 of 4 stars; one submission).

gnomAD v4.1: 5 of 1,209,457 alleles (0.00041%); highest among the groups gnomAD compares: South Asian, 0.0018%; no homozygotes.

Submission:

Labcorp Genetics (formerly Invitae), Labcorp
Classification: Uncertain significance. Last evaluated: 2025-03-23. Review status: criteria provided, single submitter. Criteria: Invitae Variant Classification Sherloc (09022015). Collection method: clinical testing. Allele origin: germline.
Comment: This sequence change replaces proline, which is neutral and non-polar, with leucine, which is neutral and non-polar, at codon 26 of the USP9X protein (p.Pro26Leu). The frequency data for this variant in the population databases is considered unreliable, as metrics indicate poor data quality at this position in the gnomAD database. This variant has not been reported in the literature in individuals affected with USP9X-related conditions. ClinVar contains an entry for this variant (Variation ID: 1938884). An algorithm developed to predict the effect of missense changes on protein structure and function (PolyPhen-2) suggests that this variant is likely to be tolerated. In summary, the available evidence is currently insufficient to determine the role of this variant in disease. Therefore, it has been classified as a Variant of Uncertain Significance.